The following is an entry in ClinVar:

ClinVar aggregate classification (germline): Uncertain significance. Review status: criteria provided, multiple submitters, no conflicts (2 of 4 stars). 2 submissions from 2 submitters: Uncertain significance (2). Last evaluated 2026-05-14.

Conditions:
Inborn genetic diseases. Identifiers: MedGen C0950123, MeSH D030342.

Allele frequency attached by ClinVar (database versions not stated): gnomAD 0.00001; gnomAD exomes 0.00001 and below 0.00001; ExAC 0.00001; TOPMed 0.00001.
gnomAD v4.1: 7 of 1,609,470 alleles (0.00043%); highest among the groups gnomAD compares: Admixed American, 0.0084%; no homozygotes.

Submissions (2):

Ambry Genetics
Classification: Uncertain significance for Inborn genetic diseases. Last evaluated: 2026-05-14. Review status: criteria provided, single submitter. Criteria: Ambry Variant Classification Scheme 2023. Collection method: clinical testing. Allele origin: germline.

Labcorp Genetics (formerly Invitae), Labcorp
Classification: Uncertain significance. Last evaluated: 2021-08-28. Review status: criteria provided, single submitter. Criteria: Invitae Variant Classification Sherloc (09022015). Collection method: clinical testing. Allele origin: germline.
Comment: This sequence change replaces valine with alanine at codon 892 of the SI protein (p.Val892Ala). The valine residue is moderately conserved and there is a small physicochemical difference between valine and alanine. This variant is present in population databases (rs758186369, ExAC 0.009%). This variant has not been reported in the literature in individuals affected with SI-related conditions. Advanced modeling of protein sequence and biophysical properties (such as structural, functional, and spatial information, amino acid conservation, physicochemical variation, residue mobility, and thermodynamic stability) performed at Invitae indicates that this missense variant is not expected to disrupt SI protein function. In summary, the available evidence is currently insufficient to determine the role of this variant in disease. Therefore, it has been classified as a Variant of Uncertain Significance.

NM_001041.4(SI):c.2675T>C (p.Val892Ala)

Gene: SI (sucrase-isomaltase; minus strand). Cytogenetic location: 3q26.1.
Variant type: single nucleotide variant.
Coding change: c.2675T>C on transcript NM_001041.4 (MANE Select); coding-DNA position 2675, T replaced by C.
Protein change: p.Val892Ala; replaces valine 892 with alanine.
Molecular consequence: missense variant.
Genome position (GRCh38, 1-based): chr3:165,032,583, A>G on the plus strand (T>C on the coding strand, the complement: SI is on the minus strand). VCF-style: chr3-165032583-A-G. GRCh37 (hg19) VCF-style: chr3-164750371-A-G.
Other names: c.2675T>C (NM_001041.3); short protein forms V892A.
Identifiers: ClinVar variation 1502281 (VCV001502281.4), dbSNP rs758186369, ClinGen allele CA2690576.